The following is an entry in ClinVar:

NM_020937.4(FANCM):c.1955C>G (p.Pro652Arg)

Gene: FANCM (FA complementation group M; plus strand). Cytogenetic location: 14q21.2.
Variant type: single nucleotide variant.
Coding change: c.1955C>G on transcript NM_020937.4 (MANE Select); coding-DNA position 1955, C replaced by G.
Protein change: p.Pro652Arg; replaces proline 652 with arginine.
Molecular consequence: missense variant.
Genome position (GRCh38, 1-based): chr14:45,167,116, C>G. VCF-style: chr14-45167116-C-G. GRCh37 (hg19) VCF-style: chr14-45636319-C-G.
Other names: c.1877C>G, p.Pro626Arg (NM_001308133.2); c.1955C>G, p.Pro652Arg (NM_001308134.2); short protein forms P626R, P652R.
Identifiers: ClinVar variation 4619614 (VCV004619614.1).

ClinVar aggregate classification (germline): Uncertain significance (1 of 4 stars; one submission).

Conditions:
Inborn genetic diseases. Identifiers: MedGen C0950123, MeSH D030342.

Submission:

Ambry Genetics
Classification: Uncertain significance for Inborn genetic diseases. Last evaluated: 2025-11-26. Review status: criteria provided, single submitter. Criteria: Ambry Variant Classification Scheme 2023. Collection method: clinical testing. Allele origin: germline.
Comment: The p.P652R variant (also known as c.1955C>G), located in coding exon 11 of the FANCM gene, results from a C to G substitution at nucleotide position 1955. The proline at codon 652 is replaced by arginine, an amino acid with dissimilar properties. This amino acid position is conserved. In addition, this alteration is predicted to be tolerated by in silico analysis. Based on the available evidence, the clinical significance of this variant remains unclear.